The following is an entry in ClinVar:

ClinVar aggregate classification (germline): Pathogenic. Review status: criteria provided, single submitter (1 of 4 stars). 2 submissions from 2 submitters: Pathogenic (1). 1 of the submissions does not count toward it. Last evaluated 2023-09-21.

Conditions:
Congenital hyperammonemia, type I. Also called: Carbamoyl-phosphate synthase I deficiency; Carbamoyl phosphate synthetase I deficiency disease; CPS I DEFICIENCY; Carbamoyl phosphate synthetase 1 deficiency; Hyperammonemia due to carbamoyl phosphate synthetase 1 deficiency; CPS 1 deficiency. Identifiers: Orphanet 147, MedGen C4082171, MONDO:0009376, OMIM 237300.

Submissions (2):

Labcorp Genetics (formerly Invitae), Labcorp
Classification: Pathogenic for Congenital hyperammonemia, type I. Last evaluated: 2023-09-21. Review status: criteria provided, single submitter. Criteria: Invitae Variant Classification Sherloc (09022015). Collection method: clinical testing. Allele origin: germline.
Comment: This variant has not been reported in the literature in individuals affected with CPS1-related conditions. This variant, c.1141_1149del, results in the deletion of 3 amino acid(s) of the CPS1 protein (p.Thr381_Gly383del), but otherwise preserves the integrity of the reading frame. This variant is not present in population databases (gnomAD no frequency). ClinVar contains an entry for this variant (Variation ID: 1001895). This variant disrupts a region of the CPS1 protein in which other variant(s) (p.Pro382Leu) have been determined to be pathogenic (PMID: 21120950, 22173106, 31749211, 34298581). This suggests that this is a clinically significant region of the protein, and that variants that disrupt it are likely to be disease-causing. For these reasons, this variant has been classified as Pathogenic.

Natera, Inc.
Classification: Uncertain significance for Carbamoyl-phosphate synthase I deficiency. Last evaluated: 2025-04-17. Review status: no assertion criteria provided. Collection method: clinical testing. Allele origin: germline. Not counted in ClinVar's aggregate classification.

Literature cited by the submitters: PubMed 21120950 (cited by Labcorp Genetics (formerly Invitae), Labcorp); PubMed 22173106 (cited by Labcorp Genetics (formerly Invitae), Labcorp); PubMed 31749211 (cited by Labcorp Genetics (formerly Invitae), Labcorp); PubMed 34298581 (cited by Labcorp Genetics (formerly Invitae), Labcorp).

NM_001875.5(CPS1):c.1141_1149del (p.Thr381_Gly383del)

Gene: CPS1 (carbamoyl-phosphate synthase 1; plus strand). Cytogenetic location: 2q34.
Variant type: Deletion.
Coding change: c.1141_1149del on transcript NM_001875.5 (MANE Select); coding-DNA positions 1141 to 1149, 9 bases deleted (ACCCCGGGG; older notation c.1141_1149delACCCCGGGG).
Protein change: p.Thr381_Gly383del.
Molecular consequence: inframe deletion. On other transcripts: non-coding transcript variant (1).
Genome position (GRCh38, 1-based): chr2:210,592,933-210,592,941, ACCCCGGGG deleted. VCF-style (leftmost placement, unchanged base first): chr2-210592932-CACCCCGGGG-C. GRCh37 (hg19) VCF-style: chr2-211457656-CACCCCGGGG-C.
Other names: c.1141_1149del, p.Thr381_Gly383del (NM_001122633.3, NM_001369257.1); c.1174_1182del, p.Thr392_Gly394del (NM_001369256.1); c.1141_1149del (NM_001875.4).
Identifiers: ClinVar variation 1001895 (VCV001001895.9), dbSNP rs1698357897, ClinGen allele CA1325073345.